The following is an entry in ClinVar:

ClinVar aggregate classification (germline): Uncertain significance (1 of 4 stars; one submission).

Conditions:
PAX3-related disorder. Also called: PAX3-related condition.

gnomAD v4.1: 2 of 1,594,062 alleles (0.00013%); highest among the groups gnomAD compares: African/African-American, 0.0027%; no homozygotes.

Submission:

PreventionGenetics, part of Exact Sciences
Classification: Uncertain significance for PAX3-related condition. Last evaluated: 2026-07-30. Review status: criteria provided, single submitter. Criteria: ACMG Guidelines, 2015. Collection method: clinical testing. Allele origin: germline.
Comment: The PAX3 c.1183C>T variant is predicted to result in the amino acid substitution p.Leu395Phe. To our knowledge, this variant has not been reported in the literature or in a large population database (gnomAD). At this time, the clinical significance of this variant is uncertain due to the absence of conclusive functional and genetic evidence.

NM_181458.4(PAX3):c.1183C>T (p.Leu395Phe)

Gene: PAX3 (paired box 3; minus strand). Cytogenetic location: 2q36.1.
Variant type: single nucleotide variant.
Coding change: c.1183C>T on transcript NM_181458.4 (MANE Select); coding-DNA position 1183, C replaced by T.
Protein change: p.Leu395Phe; replaces leucine 395 with phenylalanine.
Molecular consequence: missense variant. On other transcripts: intron variant (2).
Genome position (GRCh38, 1-based): chr2:222,202,181, G>A on the plus strand (C>T on the coding strand, the complement: PAX3 is on the minus strand). VCF-style: chr2-222202181-G-A. GRCh37 (hg19) VCF-style: chr2-223066900-G-A.
Other names: c.1180C>T, p.Leu394Phe (NM_001127366.3); c.1183C>T, p.Leu395Phe (NM_181457.4, NM_181459.4); c.1174-739C>T (NM_181460.4, NM_181461.4); short protein forms L394F, L395F.
Identifiers: ClinVar variation 4979699 (VCV004979699.1).